The following is an entry in ClinVar:

NM_021615.5(CHST6):c.6G>A (p.Trp2Ter)

Gene: CHST6 (carbohydrate sulfotransferase 6; minus strand). Cytogenetic location: 16q23.1.
Variant type: single nucleotide variant.
Coding change: c.6G>A on transcript NM_021615.5 (MANE Select); coding-DNA position 6, G replaced by A.
Protein change: p.Trp2Ter; replaces tryptophan 2 with a stop codon.
Molecular consequence: nonsense.
Genome position (GRCh38, 1-based): chr16:75,479,823, C>T on the plus strand (G>A on the coding strand, the complement: CHST6 is on the minus strand). VCF-style: chr16-75479823-C-T. GRCh37 (hg19) VCF-style: chr16-75513721-C-T.
Other names: short protein forms W2*.
Identifiers: ClinVar variation 631760 (VCV000631760.5), dbSNP rs753928736, ClinGen allele CA8175612.

ClinVar aggregate classification (germline): Likely pathogenic (1 of 4 stars; one submission).

Conditions:
Macular corneal dystrophy (MCD). Also called: GROENOUW TYPE II CORNEAL DYSTROPHY; Macular corneal dystrophy Type I. Identifiers: Orphanet 98969, MedGen C1636149, MONDO:0009020, OMIM 217800.

Allele frequency attached by ClinVar (database versions not stated): gnomAD exomes 0.00005; ExAC 0.00016.
gnomAD v4.1: 20 of 1,556,122 alleles (0.0013%); highest among the groups gnomAD compares: South Asian, 0.022%; no homozygotes.

Submission:

Neuberg Centre For Genomic Medicine, NCGM
Classification: Likely pathogenic for Macular corneal dystrophy. Review status: criteria provided, single submitter. Criteria: ACMG Guidelines, 2015. Collection method: clinical testing. Allele origin: germline. Inheritance: Autosomal recessive inheritance. Affected: yes.
Comment: The stop gained c.6G>Ap.Trp2Ter variant in CHST6 gene has been reported previously in homozygous state along with another variant [c.7C>A | p.Leu3Met], in individuals affected with macular corneal dystrophy Sultana A, et al., 2009; Sultana A, et al., 2005. The c.6G>A variant has been reported with allele frequency of 0.005% in gnomAD Exomes and is novel not in any individuals in 1000 Genomes. This variant has been reported to the ClinVar database as Uncertain Significance. The nucleotide change c.6G>A in CHST6 is predicted as conserved by GERP++ and PhyloP across 100 vertebrates. This sequence change creates a premature translational stop signal p.Trp2Ter in the CHST6 gene. This variant is predicted to cause loss of normal protein function through protein truncation. Loss of function variants have been previously reported to be disease causing. For these reasons, this variant has been classified as Likely Pathogenic.